The following is an entry in ClinVar:

NM_001111067.4(ACVR1):c.743A>C (p.Glu248Ala)

Gene: ACVR1 (activin A receptor type 1; minus strand). Cytogenetic location: 2q24.1.
Variant type: single nucleotide variant.
Coding change: c.743A>C on transcript NM_001111067.4 (MANE Select); coding-DNA position 743, A replaced by C.
Protein change: p.Glu248Ala; replaces glutamic acid 248 with alanine.
Molecular consequence: missense variant.
Genome position (GRCh38, 1-based): chr2:157,770,415, T>G on the plus strand (A>C on the coding strand, the complement: ACVR1 is on the minus strand). VCF-style: chr2-157770415-T-G. GRCh37 (hg19) VCF-style: chr2-158626927-T-G.
Other names: c.743A>C, p.Glu248Ala (NM_001105.5, NM_001347663.1, NM_001347664.1 and 3 more transcripts); short protein forms E248A.
Identifiers: ClinVar variation 2497986 (VCV002497986.1), dbSNP rs2467941821, ClinGen allele CA349191269.
Genomic context (GRCh38, chr2:157,770,415, plus strand): 5'-TCCTTGTACTTACCTAAGATATTTTCATGCCTCAGCATCACAGTGTTGTACAATTCCGTT[T>G]CCCTGAACCATGACTTCTCATCACGGGAGGAGAAGATCTTCACGGCAACATTCTCCCCTT-3'
Protein context (NP_001104537.1, residues 238-258): SSRDEKSWFR[Glu248Ala]TELYNTVMLR

ClinVar aggregate classification (germline): Uncertain significance (1 of 4 stars; one submission).

Submission:

GeneDx
Classification: Uncertain significance. Last evaluated: 2022-10-07. Review status: criteria provided, single submitter. Criteria: GeneDx Variant Classification Process June 2021. Collection method: clinical testing. Allele origin: germline. Affected: yes.
Comment: Not observed at significant frequency in large population cohorts (gnomAD); In silico analysis supports that this missense variant has a deleterious effect on protein structure/function; Has not been previously published as pathogenic or benign to our knowledge